The following is an entry in ClinVar:

NM_001042492.3(NF1):c.6928C>T (p.Pro2310Ser)

Gene: NF1 (neurofibromin 1; plus strand). Cytogenetic location: 17q11.2.
Variant type: single nucleotide variant.
Coding change: c.6928C>T on transcript NM_001042492.3 (MANE Select); coding-DNA position 6928, C replaced by T.
Protein change: p.Pro2310Ser; replaces proline 2310 with serine.
Molecular consequence: missense variant.
Genome position (GRCh38, 1-based): chr17:31,340,511, C>T. VCF-style: chr17-31340511-C-T. GRCh37 (hg19) VCF-style: chr17-29667529-C-T.
Other names: c.6865C>T, p.Pro2289Ser (NM_000267.4); short protein forms P2310S, P2289S.
Identifiers: ClinVar variation 1044480 (VCV001044480.8), dbSNP rs2069789708, ClinGen allele CA399014855.

ClinVar aggregate classification (germline): Uncertain significance. Review status: criteria provided, multiple submitters, no conflicts (2 of 4 stars). 4 submissions from 4 submitters: Uncertain significance (4). Last evaluated 2024-09-18.

Conditions:
Neurofibromatosis, type 1 (NF1). Also called: VON RECKLINGHAUSEN DISEASE; NEUROFIBROMATOSIS, TYPE I, SOMATIC; Peripheral type neurofibromatosis; Neurofibromatosis, type I. Identifiers: Orphanet 636, MedGen C0027831, MONDO:0018975, OMIM 162200. Disease mechanism: loss of function.
Hereditary cancer-predisposing syndrome. Also called: Hereditary neoplastic syndrome; Neoplastic Syndromes, Hereditary; Tumor predisposition; Hereditary Cancer Syndrome. Identifiers: Orphanet 140162, MedGen C0027672, MeSH D009386, MONDO:0015356.
Cardiovascular phenotype. Identifiers: MedGen CN230736.

Allele frequency attached by ClinVar (database versions not stated): gnomAD exomes below 0.00001.
gnomAD v4.1: 1 of 1,614,174 alleles (0.000062%); highest among the groups gnomAD compares: East Asian, 0.0022%; no homozygotes.

Submissions (4):

Labcorp Genetics (formerly Invitae), Labcorp
Classification: Uncertain significance for Neurofibromatosis, type 1. Last evaluated: 2024-09-18. Review status: criteria provided, single submitter. Criteria: Invitae Variant Classification Sherloc (09022015). Collection method: clinical testing. Allele origin: germline.
Comment: This sequence change replaces proline, which is neutral and non-polar, with serine, which is neutral and polar, at codon 2289 of the NF1 protein (p.Pro2289Ser). This variant is not present in population databases (gnomAD no frequency). This variant has not been reported in the literature in individuals affected with NF1-related conditions. ClinVar contains an entry for this variant (Variation ID: 1044480). Invitae Evidence Modeling of protein sequence and biophysical properties (such as structural, functional, and spatial information, amino acid conservation, physicochemical variation, residue mobility, and thermodynamic stability) has been performed for this missense variant. However, the output from this modeling did not meet the statistical confidence thresholds required to predict the impact of this variant on NF1 protein function. In summary, the available evidence is currently insufficient to determine the role of this variant in disease. Therefore, it has been classified as a Variant of Uncertain Significance.

Ambry Genetics
Classification: Uncertain significance for Cardiovascular phenotype; Hereditary cancer-predisposing syndrome. Last evaluated: 2023-08-13. Review status: criteria provided, single submitter. Criteria: Ambry Variant Classification Scheme 2023. Collection method: clinical testing. Allele origin: germline.
Comment: The p.P2289S variant (also known as c.6865C>T), located in coding exon 46 of the NF1 gene, results from a C to T substitution at nucleotide position 6865. The proline at codon 2289 is replaced by serine, an amino acid with similar properties. This amino acid position is conserved. In addition, the in silico prediction for this alteration is inconclusive. Since supporting evidence is limited at this time, the clinical significance of this alteration remains unclear.

Genome-Nilou Lab
Classification: Uncertain significance for Neurofibromatosis, type 1. Last evaluated: 2022-03-15. Review status: criteria provided, single submitter. Criteria: ACMG Guidelines, 2015. Collection method: clinical testing. Allele origin: germline. Affected: no.

Sema4
Classification: Uncertain significance for Hereditary cancer-predisposing syndrome. Last evaluated: 2021-07-29. Review status: criteria provided, single submitter. Criteria: Sema4 Curation Guidelines. Collection method: curation. Allele origin: germline.
Comment: The NF1 c.6865C>T (p.P2289S) variant has not been reported in the literature to our knowledge. It was not observed in the large and broad cohorts of the Genome Aggregation Database. The variant has been reported in ClinVar (Variation ID 1044480). Functional studies have not been performed, and in silico predictions of the variant's effect on protein function are inconclusive. The evidence is insufficient to meet ACMG/AMP criteria for classifying the variant as benign or pathogenic. Thus, the clinical significance of this variant is currently uncertain.